The following is an entry in ClinVar:

NM_000059.4(BRCA2):c.1300_1303del (p.Lys434fs)

Gene: BRCA2 (BRCA2 DNA repair associated; plus strand). Cytogenetic location: 13q13.1.
Variant type: Deletion.
Coding change: c.1300_1303del on transcript NM_000059.4 (MANE Select); coding-DNA positions 1300 to 1303, 4 bases deleted (AAAA; older notation c.1300_1303delAAAA).
Protein change: p.Lys434fs; shifts the reading frame from lysine 434.
Molecular consequence: frameshift variant.
Genome position (GRCh38, 1-based): chr13:32,332,778-32,332,781, AAAA deleted. VCF-style (leftmost placement, unchanged base first): chr13-32332777-CAAAA-C. GRCh37 (hg19) VCF-style: chr13-32906914-CAAAA-C.
Other names: 1528_1531delAAAA; c.1300_1303delAAAA (NM_000059.3).
Identifiers: ClinVar variation 51097 (VCV000051097.8), dbSNP rs397507577, ClinGen allele CA011507.
Genomic context (GRCh38, chr13:32,332,777, plus strand): 5'-ATTGCATATTTCTTCATGTGACCAAAATATTTCAGAAAAAGACCTATTAGACACAGAGAA[CAAAA>C]GAAAGAAAGATTTTCTTACTTCAGAGAATTCTTTGCCACGTATTTCTAGCCTACCAAAAT-3'

ClinVar aggregate classification (germline): Pathogenic. Review status: reviewed by expert panel (3 of 4 stars). 3 submissions from 3 submitters: Pathogenic (1). 2 of the submissions do not count toward it. Last evaluated 2016-10-18.

Conditions:
BRCA2-related disorder. Also called: BRCA2-related condition; BRCA2-related disorders. Identifiers: MedGen CN239275.
Breast-ovarian cancer, familial, susceptibility to, 2 (BROVCA2). Also called: BRCA2 Hereditary Breast and Ovarian Cancer. Identifiers: Orphanet 145, MedGen C2675520, MONDO:0012933, OMIM 612555. Disease mechanism: loss of function.

Submissions (3):

Evidence-based Network for the Interpretation of Germline Mutant Alleles (ENIGMA)
Classification: Pathogenic for Breast-ovarian cancer, familial, susceptibility to, 2. Last evaluated: 2016-10-18. Review status: reviewed by expert panel. Criteria: ENIGMA BRCA1/2 Classification Criteria (2015). Collection method: curation. Allele origin: germline.
Comment: Variant allele predicted to encode a truncated non-functional protein.

Blueprint Genetics
Classification: Pathogenic for BRCA2-related disorders. Last evaluated: 2022-06-27. Review status: criteria provided, single submitter. Criteria: ACMG Guidelines, 2015. Collection method: clinical testing. Allele origin: germline. Affected: yes. Observed: 1 variant allele. Not counted in ClinVar's aggregate classification.

Consortium of Investigators of Modifiers of BRCA1/2 (CIMBA), c/o University of Cambridge
Classification: Pathogenic for Breast-ovarian cancer, familial, susceptibility to, 2. Last evaluated: 2015-10-02. Review status: criteria provided, single submitter. Criteria: CIMBA Mutation Classification guidelines May 2016. Collection method: clinical testing. Allele origin: germline. Not counted in ClinVar's aggregate classification.